The following is an entry in ClinVar:

ClinVar aggregate classification (germline): Uncertain significance (1 of 4 stars; one submission).

Conditions:
Cardiovascular phenotype. Identifiers: MedGen CN230736.

Submission:

Ambry Genetics
Classification: Uncertain significance for Cardiovascular phenotype. Last evaluated: 2025-02-10. Review status: criteria provided, single submitter. Criteria: Ambry Variant Classification Scheme 2023. Collection method: clinical testing. Allele origin: germline.
Comment: The p.I1581V variant (also known as c.4741A>G), located in coding exon 33 of the LAMA4 gene, results from an A to G substitution at nucleotide position 4741. The isoleucine at codon 1581 is replaced by valine, an amino acid with highly similar properties. This amino acid position is conserved. In addition, this alteration is predicted to be tolerated by in silico analysis. Based on the available evidence, the clinical significance of this variant remains unclear.

NM_001105206.3(LAMA4):c.4762A>G (p.Ile1588Val)

Gene: LAMA4 (laminin subunit alpha 4; minus strand). Cytogenetic location: 6q21.
Variant type: single nucleotide variant.
Coding change: c.4762A>G on transcript NM_001105206.3 (MANE Select); coding-DNA position 4762, A replaced by G.
Protein change: p.Ile1588Val; replaces isoleucine 1588 with valine.
Molecular consequence: missense variant.
Genome position (GRCh38, 1-based): chr6:112,119,215, T>C on the plus strand (A>G on the coding strand, the complement: LAMA4 is on the minus strand). VCF-style: chr6-112119215-T-C. GRCh37 (hg19) VCF-style: chr6-112440418-T-C.
Other names: c.4741A>G, p.Ile1581Val (NM_001105207.3, NM_002290.5); short protein forms I1588V, I1581V.
Identifiers: ClinVar variation 3866215 (VCV003866215.1).